The following is an entry in ClinVar:

NM_020117.11(LARS1):c.427A>G (p.Lys143Glu)

Gene: LARS1 (leucyl-tRNA synthetase 1; minus strand). Cytogenetic location: 5q32.
Variant type: single nucleotide variant.
Coding change: c.427A>G on transcript NM_020117.11 (MANE Select); coding-DNA position 427, A replaced by G.
Protein change: p.Lys143Glu; replaces lysine 143 with glutamic acid.
Molecular consequence: missense variant. On other transcripts: intron variant (1).
Genome position (GRCh38, 1-based): chr5:146,168,133, T>C on the plus strand (A>G on the coding strand, the complement: LARS1 is on the minus strand). VCF-style: chr5-146168133-T-C. GRCh37 (hg19) VCF-style: chr5-145547696-T-C.
Other names: c.265A>G, p.Lys89Glu (NM_001317965.2); c.346A>G, p.Lys116Glu (NM_016460.4); c.295-3662A>G (NM_001317964.2); short protein forms K116E, K143E, K89E.
Identifiers: ClinVar variation 3377998 (VCV003377998.4).

ClinVar aggregate classification (germline): Uncertain significance. Review status: criteria provided, multiple submitters, no conflicts (2 of 4 stars). 3 submissions from 3 submitters: Uncertain significance (3). Last evaluated 2025-02-19.

gnomAD v4.1: 180 of 1,599,250 alleles (0.011%); highest among the groups gnomAD compares: Non-Finnish European, 0.015%; no homozygotes.

Submissions (3):

GeneDx
Classification: Uncertain significance. Last evaluated: 2025-02-19. Review status: criteria provided, single submitter. Criteria: GeneDx Variant Classification Process June 2021. Collection method: clinical testing. Allele origin: germline. Affected: yes.
Comment: Not observed at significant frequency in large population cohorts (gnomAD); In silico analysis supports that this missense variant has a deleterious effect on protein structure/function; Has not been previously published as pathogenic or benign to our knowledge

Labcorp Genetics (formerly Invitae), Labcorp
Classification: Uncertain significance. Last evaluated: 2025-02-15. Review status: criteria provided, single submitter. Criteria: Invitae Variant Classification Sherloc (09022015). Collection method: clinical testing. Allele origin: germline.
Comment: This sequence change replaces lysine, which is basic and polar, with glutamic acid, which is acidic and polar, at codon 143 of the LARS protein (p.Lys143Glu). This variant is present in population databases (rs141248045, gnomAD 0.01%). This variant has not been reported in the literature in individuals affected with LARS-related conditions. ClinVar contains an entry for this variant (Variation ID: 3377998). Invitae Evidence Modeling of protein sequence and biophysical properties (such as structural, functional, and spatial information, amino acid conservation, physicochemical variation, residue mobility, and thermodynamic stability) has been performed for this missense variant. However, the output from this modeling did not meet the statistical confidence thresholds required to predict the impact of this variant on LARS protein function. In summary, the available evidence is currently insufficient to determine the role of this variant in disease. Therefore, it has been classified as a Variant of Uncertain Significance.

Ambry Genetics
Classification: Uncertain significance. Last evaluated: 2024-10-16. Review status: criteria provided, single submitter. Criteria: Ambry Variant Classification Scheme 2023. Collection method: clinical testing. Allele origin: germline.